The following is an entry in ClinVar:

ClinVar aggregate classification (germline): Uncertain significance (1 of 4 stars; one submission).

gnomAD v4.1: 13 of 1,614,038 alleles (0.00081%); highest among the groups gnomAD compares: African/African-American, 0.016%; no homozygotes.

Submission:

Labcorp Genetics (formerly Invitae), Labcorp
Classification: Uncertain significance. Last evaluated: 2024-12-09. Review status: criteria provided, single submitter. Criteria: Invitae Variant Classification Sherloc (09022015). Collection method: clinical testing. Allele origin: germline.
Comment: This sequence change replaces glutamic acid, which is acidic and polar, with glycine, which is neutral and non-polar, at codon 682 of the ZHX3 protein (p.Glu682Gly). This variant is present in population databases (rs149024724, gnomAD 0.02%). This variant has not been reported in the literature in individuals affected with ZHX3-related conditions. An algorithm developed to predict the effect of missense changes on protein structure and function outputs the following: PolyPhen-2: "Benign". The glycine amino acid residue is found in multiple mammalian species, which suggests that this missense change does not adversely affect protein function. In summary, the available evidence is currently insufficient to determine the role of this variant in disease. Therefore, it has been classified as a Variant of Uncertain Significance.

NM_001384317.1(ZHX3):c.2045A>G (p.Glu682Gly)

Gene: ZHX3 (zinc fingers and homeoboxes 3; minus strand). Cytogenetic location: 20q12.
Variant type: single nucleotide variant.
Coding change: c.2045A>G on transcript NM_001384317.1 (MANE Select); coding-DNA position 2045, A replaced by G.
Protein change: p.Glu682Gly; replaces glutamic acid 682 with glycine.
Molecular consequence: missense variant.
Genome position (GRCh38, 1-based): chr20:41,202,872, T>C on the plus strand (A>G on the coding strand, the complement: ZHX3 is on the minus strand). VCF-style: chr20-41202872-T-C. GRCh37 (hg19) VCF-style: chr20-39831512-T-C.
Other names: c.2045A>G, p.Glu682Gly (NM_001384318.1, NM_001384319.1, NM_001384320.1 and 8 more transcripts); short protein forms E682G.
Identifiers: ClinVar variation 3631157 (VCV003631157.2).
Genomic context (GRCh38, chr20:41,202,872, plus strand): 5'-ACCCTTAGCTCACTGGCCAAATCCTCTTCTCCACCCTCATCCTCAGCAGCCTCCTCTTCC[T>C]CCTGAGAGGCATTCTCCTCAGCCTTCTTGGTCTCCTCAGCATTCACTTTTTTCCGTCTCT-3'
Protein context (NP_001371246.1, residues 672-692): TKKAEENASQ[Glu682Gly]EEEAAEDEGG